The following is an entry in ClinVar:

ClinVar aggregate classification (germline): Uncertain significance (1 of 4 stars; one submission).

Submission:

Labcorp Genetics (formerly Invitae), Labcorp
Classification: Uncertain significance. Last evaluated: 2023-03-09. Review status: criteria provided, single submitter. Criteria: Invitae Variant Classification Sherloc (09022015). Collection method: clinical testing. Allele origin: germline.
Comment: This variant has not been reported in the literature in individuals affected with FCHO1-related conditions. In summary, the available evidence is currently insufficient to determine the role of this variant in disease. Therefore, it has been classified as a Variant of Uncertain Significance. An algorithm developed to predict the effect of missense changes on protein structure and function (PolyPhen-2) suggests that this variant is likely to be disruptive. ClinVar contains an entry for this variant (Variation ID: 1716348). This variant is not present in population databases (gnomAD no frequency). This sequence change replaces isoleucine, which is neutral and non-polar, with valine, which is neutral and non-polar, at codon 361 of the FCHO1 protein (p.Ile361Val).

NM_015122.3(FCHO1):c.1081A>G (p.Ile361Val)

Gene: FCHO1 (FCH and mu domain containing endocytic adaptor 1; plus strand). Cytogenetic location: 19p13.11.
Variant type: single nucleotide variant.
Coding change: c.1081A>G on transcript NM_015122.3 (MANE Select); coding-DNA position 1081, A replaced by G.
Protein change: p.Ile361Val; replaces isoleucine 361 with valine.
Molecular consequence: missense variant. On other transcripts: non-coding transcript variant (36).
Genome position (GRCh38, 1-based): chr19:17,776,060, A>G. VCF-style: chr19-17776060-A-G. GRCh37 (hg19) VCF-style: chr19-17886869-A-G.
Other names: c.1081A>G, p.Ile361Val (NM_001161358.2, NM_001384370.1, NM_001384371.1 and 25 more transcripts); c.931A>G, p.Ile311Val (NM_001161359.2, NM_001384384.1, NM_001384385.1 and 3 more transcripts); c.1042A>G, p.Ile348Val (NM_001384389.1, NM_001384388.1, NM_001384405.1); c.1006A>G, p.Ile336Val (NM_001384390.1); c.1036A>G, p.Ile346Val (NM_001384403.1); short protein forms I311V, I336V, I346V, I348V, I361V.
Identifiers: ClinVar variation 1716348 (VCV001716348.5), dbSNP rs2513789671, ClinGen allele CA404751181.